The following is an entry in ClinVar:

NM_019892.6(INPP5E):c.950G>A (p.Ser317Asn)

Gene: INPP5E (inositol polyphosphate-5-phosphatase E; minus strand). Cytogenetic location: 9q34.3.
Variant type: single nucleotide variant.
Coding change: c.950G>A on transcript NM_019892.6 (MANE Select); coding-DNA position 950, G replaced by A.
Protein change: p.Ser317Asn; replaces serine 317 with asparagine.
Molecular consequence: missense variant.
Genome position (GRCh38, 1-based): chr9:136,434,121, C>T on the plus strand (G>A on the coding strand, the complement: INPP5E is on the minus strand). VCF-style: chr9-136434121-C-T. GRCh37 (hg19) VCF-style: chr9-139328573-C-T.
Other names: c.950G>A, p.Ser317Asn (NM_001318502.2); short protein forms S317N.
Identifiers: ClinVar variation 2129455 (VCV002129455.4), dbSNP rs2538880632, ClinGen allele CA375565187.

ClinVar aggregate classification (germline): Uncertain significance (1 of 4 stars; one submission).

Conditions:
Joubert syndrome. Also called: CEREBELLOPARENCHYMAL DISORDER IV; JOUBERT-BOLTSHAUSER SYNDROME; Familial aplasia of the vermis. Identifiers: Orphanet 475, MedGen C5979921, MONDO:0018772.

Submission:

Labcorp Genetics (formerly Invitae), Labcorp
Classification: Uncertain significance for Joubert syndrome. Last evaluated: 2022-04-22. Review status: criteria provided, single submitter. Criteria: Invitae Variant Classification Sherloc (09022015). Collection method: clinical testing. Allele origin: germline.
Comment: In summary, the available evidence is currently insufficient to determine the role of this variant in disease. Therefore, it has been classified as a Variant of Uncertain Significance. Advanced modeling of protein sequence and biophysical properties (such as structural, functional, and spatial information, amino acid conservation, physicochemical variation, residue mobility, and thermodynamic stability) performed at Invitae indicates that this missense variant is not expected to disrupt INPP5E protein function. This variant has not been reported in the literature in individuals affected with INPP5E-related conditions. This variant is not present in population databases (gnomAD no frequency). This sequence change replaces serine, which is neutral and polar, with asparagine, which is neutral and polar, at codon 317 of the INPP5E protein (p.Ser317Asn).